The following is an entry in ClinVar:

NM_001904.4(CTNNB1):c.1215del (p.Val406fs)

Genes: CTNNB1 (catenin beta 1; plus strand), LOC126806659 (BRD4-independent group 4 enhancer GRCh37_chr3:41274918-41276117; plus strand). Cytogenetic location: 3p22.1.
Variant type: Deletion.
Coding change: c.1215del on transcript NM_001904.4 (MANE Select); coding-DNA position 1215, one base deleted (T; older notation c.1215delT).
Protein change: p.Val406fs; shifts the reading frame from valine 406.
Molecular consequence: frameshift variant.
Genome position (GRCh38, 1-based): chr3:41,233,558, T deleted; the last of 2 consecutive T bases (chr3:41,233,557-41,233,558); deleting either gives the same sequence. VCF-style (leftmost placement, unchanged base first): chr3-41233556-CT-C. GRCh37 (hg19) VCF-style: chr3-41275047-CT-C.
Other names: c.1215del, p.Val406fs (NM_001098209.2, NM_001098210.2); c.1194del, p.Val399fs (NM_001330729.2); short protein forms V399fs, V406fs.
Identifiers: ClinVar variation 3347114 (VCV003347114.1).

ClinVar aggregate classification (germline): Likely pathogenic (0 of 4 stars; one submission).

Conditions:
CTNNB1-related disorder. Also called: CTNNB1-related condition.

Submission:

PreventionGenetics, part of Exact Sciences
Classification: Likely pathogenic for CTNNB1-related condition. Last evaluated: 2024-07-01. Review status: no assertion criteria provided. Collection method: clinical testing. Allele origin: germline.
Comment: The CTNNB1 c.1215delT variant is predicted to result in a frameshift and premature protein termination (p.Val406Phefs*9). To our knowledge, this variant has not been reported in the literature or in a large population database, indicating this variant is rare. Frameshift variants in CTNNB1 are expected to be pathogenic. This variant is interpreted as likely pathogenic.